The following is an entry in ClinVar:

NM_001145252.3(CFP):c.848C>T (p.Thr283Met)

Gene: CFP (complement factor properdin; minus strand). Cytogenetic location: Xp11.23.
Variant type: single nucleotide variant.
Coding change: c.848C>T on transcript NM_001145252.3 (MANE Select); coding-DNA position 848, C replaced by T.
Protein change: p.Thr283Met; replaces threonine 283 with methionine.
Molecular consequence: missense variant.
Genome position (GRCh38, 1-based): chrX:47,626,865, G>A on the plus strand (C>T on the coding strand, the complement: CFP is on the minus strand). VCF-style: chrX-47626865-G-A. GRCh37 (hg19) VCF-style: chrX-47486264-G-A.
Other names: c.848C>T, p.Thr283Met (NM_002621.2); short protein forms T283M.
Identifiers: ClinVar variation 2983082 (VCV002983082.3), dbSNP rs1325258357, ClinGen allele CA412837528.
Genomic context (GRCh38, chrX:47,626,865, plus strand): 5'-GTCCGGGTGGCATCGCCAGCACAGAAGGGGCCCCCATGCTGGGGCACAGGGTGATTGCAC[G>A]TCCGTTGTTCCATGGTCTGGCCCAGGCCACAGGTCACAGGGCAGGGGCTCACAGGGCCCC-3'
Protein context (NP_001138724.1, residues 273-293): CGLGQTMEQR[Thr283Met]CNHPVPQHGG

ClinVar aggregate classification (germline): Uncertain significance (1 of 4 stars; one submission).

Allele frequency attached by ClinVar (database versions not stated): gnomAD 0.00001; gnomAD exomes 0.00001; TOPMed 0.00001.
gnomAD v4.1: 7 of 1,206,807 alleles (0.00058%); highest among the groups gnomAD compares: South Asian, 0.0018%; no homozygotes.

Submission:

Labcorp Genetics (formerly Invitae), Labcorp
Classification: Uncertain significance. Last evaluated: 2023-05-29. Review status: criteria provided, single submitter. Criteria: Invitae Variant Classification Sherloc (09022015). Collection method: clinical testing. Allele origin: germline.
Comment: In summary, the available evidence is currently insufficient to determine the role of this variant in disease. Therefore, it has been classified as a Variant of Uncertain Significance. Advanced modeling of protein sequence and biophysical properties (such as structural, functional, and spatial information, amino acid conservation, physicochemical variation, residue mobility, and thermodynamic stability) performed at Invitae indicates that this missense variant is not expected to disrupt CFP protein function. This variant has not been reported in the literature in individuals affected with CFP-related conditions. The frequency data for this variant in the population databases is considered unreliable, as metrics indicate poor data quality at this position in the gnomAD database. This sequence change replaces threonine, which is neutral and polar, with methionine, which is neutral and non-polar, at codon 283 of the CFP protein (p.Thr283Met).